The following is an entry in ClinVar:

ClinVar aggregate classification (germline): Uncertain significance (1 of 4 stars; one submission).

Submission:

GeneDx
Classification: Uncertain significance. Last evaluated: 2025-03-28. Review status: criteria provided, single submitter. Criteria: GeneDx Variant Classification Process June 2021. Collection method: clinical testing. Allele origin: germline. Affected: yes.
Comment: Not observed at significant frequency in large population cohorts (gnomAD); In silico analysis indicates that this missense variant does not alter protein structure/function; Has not been previously published as pathogenic or benign to our knowledge

NM_013450.4(BAZ2B):c.728G>A (p.Ser243Asn)

Gene: BAZ2B (bromodomain adjacent to zinc finger domain 2B; minus strand). Cytogenetic location: 2q24.2.
Variant type: single nucleotide variant.
Coding change: c.728G>A on transcript NM_013450.4 (MANE Select); coding-DNA position 728, G replaced by A.
Protein change: p.Ser243Asn; replaces serine 243 with asparagine.
Molecular consequence: missense variant.
Genome position (GRCh38, 1-based): chr2:159,439,181, C>T on the plus strand (G>A on the coding strand, the complement: BAZ2B is on the minus strand). VCF-style: chr2-159439181-C-T. GRCh37 (hg19) VCF-style: chr2-160295692-C-T.
Other names: c.722G>A, p.Ser241Asn (NM_001289975.1); c.539G>A, p.Ser180Asn (NM_001329857.2); c.728G>A, p.Ser243Asn (NM_001329858.2); short protein forms S243N, S241N, S180N.
Identifiers: ClinVar variation 4088007 (VCV004088007.1).